The following is an entry in ClinVar:

ClinVar aggregate classification (germline): Likely pathogenic (1 of 4 stars; one submission).

Conditions:
alpha Thalassemia. Also called: Alpha thalassemia spectrum. Identifiers: Orphanet 846, MedGen C0002312, MONDO:0011399, OMIM 604131.

Submission:

Natera, Inc.
Classification: Likely pathogenic for Alpha thalassemia. Last evaluated: 2025-04-07. Review status: criteria provided, single submitter. Criteria: Natera Variant Classification Schema (03/2026). Collection method: clinical testing. Allele origin: germline.
Comment: The c.315_330delCCTGCTGGTGACCCTG variant in HBA1 is a frameshift variant predicted to shift the reading frame beginning at codon 105 and leads to a stop codon 24 codons downstream. This variant is expected to result in nonsense mediated decay, truncation, or a dysfunctional protein product. This variant is rare in the general population with a frequency below the threshold expected for the associated phenotype(s). Given the available evidence, this variant is classified as Likely Pathogenic.

NM_000558.5(HBA1):c.315_330del (p.Cys105fs)

Genes: HBA1 (hemoglobin subunit alpha 1; plus strand), LOC106804613 (hemoglobin subunit alpha 1 recombination region; plus strand). Cytogenetic location: 16p13.3.
Variant type: Deletion.
Coding change: c.315_330del on transcript NM_000558.5 (MANE Select); coding-DNA positions 315 to 330, 16 bases deleted (CCTGCTGGTGACCCTG).
Protein change: p.Cys105fs; shifts the reading frame from cysteine 105.
Molecular consequence: frameshift variant.
Genome position (GRCh38, 1-based): chr16:177,297-177,312, CCTGCTGGTGACCCTG deleted; deleting any 16 consecutive bases within chr16:177,294-177,312 gives the same sequence; the c. name uses the placement nearest the transcript's 3' end. VCF-style (leftmost placement, unchanged base first): chr16-177293-ACTGCCTGCTGGTGACC-A. GRCh37 (hg19) VCF-style: chr16-227292-ACTGCCTGCTGGTGACC-A.
Other names: short protein forms C105fs.
Identifiers: ClinVar variation 4814400 (VCV004814400.1).